The following is an entry in ClinVar:

NM_024422.6(DSC2):c.1879G>A (p.Ala627Thr)

Gene: DSC2 (desmocollin 2; minus strand). Cytogenetic location: 18q12.1.
Variant type: single nucleotide variant.
Coding change: c.1879G>A on transcript NM_024422.6 (MANE Select); coding-DNA position 1879, G replaced by A.
Protein change: p.Ala627Thr; replaces alanine 627 with threonine.
Molecular consequence: missense variant.
Genome position (GRCh38, 1-based): chr18:31,074,692, C>T on the plus strand (G>A on the coding strand, the complement: DSC2 is on the minus strand). VCF-style: chr18-31074692-C-T. GRCh37 (hg19) VCF-style: chr18-28654658-C-T.
Other names: c.1879G>A, p.Ala627Thr (NM_004949.5); c.1450G>A, p.Ala484Thr (NM_001406506.1, NM_001406507.1); short protein forms A484T, A627T.
Identifiers: ClinVar variation 3023550 (VCV003023550.3), dbSNP rs762223215, ClinGen allele CA033535.

ClinVar aggregate classification (germline): Uncertain significance (1 of 4 stars; one submission).

Conditions:
Arrhythmogenic right ventricular dysplasia 11. Also called: ARRHYTHMOGENIC RIGHT VENTRICULAR DYSPLASIA, FAMILIAL, 11; Arrhythmogenic Right Ventricular Dysplasia/Cardiomyopathy11; Arrhythmogenic right ventricular dysplasia 11 with mild palmoplantar keratoderma and woolly hair. Identifiers: MedGen C1864850, MONDO:0012506, OMIM 610476.

Allele frequency attached by ClinVar (database versions not stated): TOPMed below 0.00001; gnomAD exomes 0.00001; ExAC 0.00002.
gnomAD v4.1: 9 of 1,613,662 alleles (0.00056%); highest among the groups gnomAD compares: Non-Finnish European, 0.00076%; no homozygotes.

Submission:

Labcorp Genetics (formerly Invitae), Labcorp
Classification: Uncertain significance for Arrhythmogenic right ventricular dysplasia 11. Last evaluated: 2025-07-30. Review status: criteria provided, single submitter. Criteria: Invitae Variant Classification Sherloc (09022015). Collection method: clinical testing. Allele origin: germline.
Comment: This sequence change replaces alanine, which is neutral and non-polar, with threonine, which is neutral and polar, at codon 627 of the DSC2 protein (p.Ala627Thr). This variant is present in population databases (rs762223215, gnomAD 0.003%). This variant has not been reported in the literature in individuals affected with DSC2-related conditions. ClinVar contains an entry for this variant (Variation ID: 3023550). Invitae Evidence Modeling of protein sequence and biophysical properties (such as structural, functional, and spatial information, amino acid conservation, physicochemical variation, residue mobility, and thermodynamic stability) indicates that this missense variant is not expected to disrupt DSC2 protein function with a negative predictive value of 80%. In summary, the available evidence is currently insufficient to determine the role of this variant in disease. Therefore, it has been classified as a Variant of Uncertain Significance.